The following is an entry in ClinVar:

NM_001195518.2(MICU1):c.355C>G (p.Arg119Gly)

Gene: MICU1 (mitochondrial calcium uptake 1; minus strand). Cytogenetic location: 10q22.1.
Variant type: single nucleotide variant.
Coding change: c.355C>G on transcript NM_001195518.2 (MANE Select); coding-DNA position 355, C replaced by G.
Protein change: p.Arg119Gly; replaces arginine 119 with glycine.
Molecular consequence: missense variant.
Genome position (GRCh38, 1-based): chr10:72,551,317, G>C on the plus strand (C>G on the coding strand, the complement: MICU1 is on the minus strand). VCF-style: chr10-72551317-G-C. GRCh37 (hg19) VCF-style: chr10-74311075-G-C.
Other names: c.355C>G, p.Arg119Gly (NM_001363513.2, NM_006077.4); short protein forms R119G.
Identifiers: ClinVar variation 1305074 (VCV001305074.6), dbSNP rs538329212, ClinGen allele CA5550290.

ClinVar aggregate classification (germline): Uncertain significance. Review status: criteria provided, multiple submitters, no conflicts (2 of 4 stars). 2 submissions from 2 submitters: Uncertain significance (2). Last evaluated 2022-08-09.

Allele frequency attached by ClinVar (database versions not stated): ExAC 0.00003.
gnomAD v4.1: 34 of 1,611,088 alleles (0.0021%); highest among the groups gnomAD compares: Non-Finnish European, 0.0028%; no homozygotes.

Submissions (2):

Labcorp Genetics (formerly Invitae), Labcorp
Classification: Uncertain significance. Last evaluated: 2022-08-09. Review status: criteria provided, single submitter. Criteria: Invitae Variant Classification Sherloc (09022015). Collection method: clinical testing. Allele origin: germline.
Comment: This sequence change replaces arginine, which is basic and polar, with glycine, which is neutral and non-polar, at codon 119 of the MICU1 protein (p.Arg119Gly). This variant is present in population databases (rs538329212, gnomAD 0.007%). This variant has not been reported in the literature in individuals affected with MICU1-related conditions. ClinVar contains an entry for this variant (Variation ID: 1305074). Algorithms developed to predict the effect of missense changes on protein structure and function are either unavailable or do not agree on the potential impact of this missense change (SIFT: "Deleterious"; PolyPhen-2: "Not Available"; Align-GVGD: "Class C65"). In summary, the available evidence is currently insufficient to determine the role of this variant in disease. Therefore, it has been classified as a Variant of Uncertain Significance.

GeneDx
Classification: Uncertain significance. Last evaluated: 2019-04-10. Review status: criteria provided, single submitter. Criteria: GeneDx Variant Classification Process June 2021. Collection method: clinical testing. Allele origin: germline. Affected: yes.
Comment: Not observed at a significant frequency in large population cohorts (Lek et al., 2016); In silico analysis, which includes protein predictors and evolutionary conservation, supports a deleterious effect; Has not been previously published as pathogenic or benign to our knowledge